The following is an entry in ClinVar:

ClinVar aggregate classification (germline): Conflicting classifications of pathogenicity. Review status: criteria provided, conflicting classifications (1 of 4 stars). 2 submissions from 2 submitters: Uncertain significance (1); Likely benign (1). Last evaluated 2024-09-20.

Conditions:
Inborn genetic diseases. Identifiers: MedGen C0950123, MeSH D030342.

Allele frequency attached by ClinVar (database versions not stated): gnomAD 0.00003; gnomAD exomes 0.00003; ExAC 0.00007.
gnomAD v4.1: 42 of 1,614,112 alleles (0.0026%); highest among the groups gnomAD compares: Admixed American, 0.0033%; no homozygotes.

Submissions (2):

Ambry Genetics
Classification: Likely benign for Inborn genetic diseases. Last evaluated: 2024-09-20. Review status: criteria provided, single submitter. Criteria: Ambry Variant Classification Scheme 2023. Collection method: clinical testing. Allele origin: germline.

Labcorp Genetics (formerly Invitae), Labcorp
Classification: Uncertain significance. Last evaluated: 2024-07-06. Review status: criteria provided, single submitter. Criteria: Invitae Variant Classification Sherloc (09022015). Collection method: clinical testing. Allele origin: germline.
Comment: This sequence change replaces glycine, which is neutral and non-polar, with serine, which is neutral and polar, at codon 610 of the RERE protein (p.Gly610Ser). This variant is present in population databases (rs781019481, gnomAD 0.006%). This variant has not been reported in the literature in individuals affected with RERE-related conditions. ClinVar contains an entry for this variant (Variation ID: 2065277). Advanced modeling of protein sequence and biophysical properties (such as structural, functional, and spatial information, amino acid conservation, physicochemical variation, residue mobility, and thermodynamic stability) has been performed at Invitae for this missense variant, however the output from this modeling did not meet the statistical confidence thresholds required to predict the impact of this variant on RERE protein function. In summary, the available evidence is currently insufficient to determine the role of this variant in disease. Therefore, it has been classified as a Variant of Uncertain Significance.

NM_001042681.2(RERE):c.1828G>A (p.Gly610Ser)

Gene: RERE (arginine-glutamic acid dipeptide repeats; minus strand). Cytogenetic location: 1p36.23.
Variant type: single nucleotide variant.
Coding change: c.1828G>A on transcript NM_001042681.2 (MANE Select); coding-DNA position 1828, G replaced by A.
Protein change: p.Gly610Ser; replaces glycine 610 with serine.
Molecular consequence: missense variant.
Genome position (GRCh38, 1-based): chr1:8,362,757, C>T on the plus strand (G>A on the coding strand, the complement: RERE is on the minus strand). VCF-style: chr1-8362757-C-T. GRCh37 (hg19) VCF-style: chr1-8422817-C-T.
Other names: c.166G>A, p.Gly56Ser (NM_001042682.2); c.1828G>A, p.Gly610Ser (NM_012102.4); c.1828G>A (NM_012102.3); short protein forms G56S, G610S.
Identifiers: ClinVar variation 2065277 (VCV002065277.4), dbSNP rs781019481, ClinGen allele CA571536.